The following is an entry in ClinVar:

ClinVar aggregate classification (germline): Uncertain significance (1 of 4 stars; one submission).

Conditions:
Inborn genetic diseases. Identifiers: MedGen C0950123, MeSH D030342.

gnomAD v4.1: 13 of 1,613,344 alleles (0.00081%); highest among the groups gnomAD compares: Non-Finnish European, 0.0011%; no homozygotes.

Submission:

Ambry Genetics
Classification: Uncertain significance for Inborn genetic diseases. Last evaluated: 2025-01-08. Review status: criteria provided, single submitter. Criteria: Ambry Variant Classification Scheme 2023. Collection method: clinical testing. Allele origin: germline.
Comment: The p.S221G variant (also known as c.661A>G), located in coding exon 4 of the KDM1A gene, results from an A to G substitution at nucleotide position 661. The serine at codon 221 is replaced by glycine, an amino acid with similar properties. This amino acid position is conserved. In addition, this alteration is predicted to be tolerated by in silico analysis. Based on the available evidence, the clinical significance of this variant remains unclear.

NM_001009999.3(KDM1A):c.661A>G (p.Ser221Gly)

Gene: KDM1A (lysine demethylase 1A; plus strand). Cytogenetic location: 1p36.12.
Variant type: single nucleotide variant.
Coding change: c.661A>G on transcript NM_001009999.3 (MANE Select); coding-DNA position 661, A replaced by G.
Protein change: p.Ser221Gly; replaces serine 221 with glycine.
Molecular consequence: missense variant.
Genome position (GRCh38, 1-based): chr1:23,050,470, A>G. VCF-style: chr1-23050470-A-G. GRCh37 (hg19) VCF-style: chr1-23376963-A-G.
Other names: c.601A>G, p.Ser201Gly (NM_001363654.2, NM_001410763.1, NM_015013.4); c.661A>G, p.Ser221Gly (NM_001410762.1); short protein forms S221G, S201G.
Identifiers: ClinVar variation 3863255 (VCV003863255.1).